The following is an entry in ClinVar:

NM_020461.4(TUBGCP6):c.5266T>G (p.Trp1756Gly)

Gene: TUBGCP6 (tubulin gamma complex component 6; minus strand). Cytogenetic location: 22q13.33.
Variant type: single nucleotide variant.
Coding change: c.5266T>G on transcript NM_020461.4 (MANE Select); coding-DNA position 5266, T replaced by G.
Protein change: p.Trp1756Gly; replaces tryptophan 1756 with glycine.
Molecular consequence: missense variant.
Genome position (GRCh38, 1-based): chr22:50,218,020, A>C on the plus strand (T>G on the coding strand, the complement: TUBGCP6 is on the minus strand). VCF-style: chr22-50218020-A-C. GRCh37 (hg19) VCF-style: chr22-50656449-A-C.
Other names: c.5266T>G (NM_020461.3); short protein forms W1756G.
Identifiers: ClinVar variation 1347136 (VCV001347136.6), dbSNP rs773173311, ClinGen allele CA10307102.

ClinVar aggregate classification (germline): Uncertain significance. Review status: criteria provided, multiple submitters, no conflicts (2 of 4 stars). 2 submissions from 2 submitters: Uncertain significance (2). Last evaluated 2021-08-26.

Conditions:
Inborn genetic diseases. Identifiers: MedGen C0950123, MeSH D030342.

Allele frequency attached by ClinVar (database versions not stated): ExAC 0.00002; gnomAD exomes 0.00002.

Submissions (2):

Labcorp Genetics (formerly Invitae), Labcorp
Classification: Uncertain significance. Last evaluated: 2021-08-26. Review status: criteria provided, single submitter. Criteria: Invitae Variant Classification Sherloc (09022015). Collection method: clinical testing. Allele origin: germline.
Comment: This sequence change replaces tryptophan with glycine at codon 1756 of the TUBGCP6 protein (p.Trp1756Gly). The tryptophan residue is moderately conserved and there is a large physicochemical difference between tryptophan and glycine. This variant is present in population databases (rs773173311, ExAC 0.003%). This variant has not been reported in the literature in individuals affected with TUBGCP6-related conditions. Algorithms developed to predict the effect of missense changes on protein structure and function are either unavailable or do not agree on the potential impact of this missense change (SIFT: "Deleterious"; PolyPhen-2: "Probably Damaging"; Align-GVGD: "Class C0"). In summary, the available evidence is currently insufficient to determine the role of this variant in disease. Therefore, it has been classified as a Variant of Uncertain Significance.

Ambry Genetics
Classification: Uncertain significance for Inborn genetic diseases. Last evaluated: 2021-03-31. Review status: criteria provided, single submitter. Criteria: Ambry Variant Classification Scheme 2023. Collection method: clinical testing. Allele origin: germline.
Comment: The c.5266T>G (p.W1756G) alteration is located in exon 24 (coding exon 24) of the TUBGCP6 gene. This alteration results from a T to G substitution at nucleotide position 5266, causing the tryptophan (W) at amino acid position 1756 to be replaced by a glycine (G). The p.W1756G alteration is predicted to be tolerated by in silico analysis. Based on insufficient or conflicting evidence, the clinical significance of this alteration remains unclear.